The following is an entry in ClinVar:

ClinVar aggregate classification (germline): Uncertain significance. Review status: criteria provided, single submitter (1 of 4 stars). 2 submissions from 2 submitters: Uncertain significance (1). 1 of the submissions does not count toward it. Last evaluated 2025-05-12.

Conditions:
Autosomal recessive ataxia, Beauce type. Also called: SYNE1-Related Autosomal Recessive Cerebellar Ataxia; Spinocerebellar ataxia, autosomal recessive 8; ATAXIA, RECESSIVE, OF BEAUCE; SYNE1 Deficiency. Identifiers: Orphanet 88644, MedGen C1853116, MONDO:0012549, OMIM 610743.
Emery-Dreifuss muscular dystrophy 4, autosomal dominant (EDMD4). Also called: EMERY-DREIFUSS MUSCULAR DYSTROPHY 4 WITH VARIABLE FEATURES. Identifiers: Orphanet 261, MedGen C2751807, MONDO:0013071, OMIM 612998.
SYNE1-related disorder. Also called: SYNE1-related disorders; SYNE1-related disease; SYNE1-related condition.

gnomAD v4.1: 4 of 1,613,954 alleles (0.00025%); highest among the groups gnomAD compares: Admixed American, 0.005%; no homozygotes.

Submissions (2):

Labcorp Genetics (formerly Invitae), Labcorp
Classification: Uncertain significance for Emery-Dreifuss muscular dystrophy 4, autosomal dominant; Autosomal recessive ataxia, Beauce type. Last evaluated: 2025-05-12. Review status: criteria provided, single submitter. Criteria: Invitae Variant Classification Sherloc (09022015). Collection method: clinical testing. Allele origin: germline.
Comment: This sequence change replaces threonine, which is neutral and polar, with lysine, which is basic and polar, at codon 1440 of the SYNE1 protein (p.Thr1440Lys). This variant is present in population databases (rs139798419, gnomAD 0.003%). This variant has not been reported in the literature in individuals affected with SYNE1-related conditions. ClinVar contains an entry for this variant (Variation ID: 1463541). An algorithm developed to predict the effect of missense changes on protein structure and function (PolyPhen-2) suggests that this variant is likely to be tolerated. In summary, the available evidence is currently insufficient to determine the role of this variant in disease. Therefore, it has been classified as a Variant of Uncertain Significance.

PreventionGenetics, part of Exact Sciences
Classification: Uncertain significance for SYNE1-related condition. Last evaluated: 2024-01-07. Review status: no assertion criteria provided. Collection method: clinical testing. Allele origin: germline. Not counted in ClinVar's aggregate classification.
Comment: The SYNE1 c.4319C>A variant is predicted to result in the amino acid substitution p.Thr1440Lys. To our knowledge, this variant has not been reported in the literature. This variant is reported in 0.0029% of alleles in individuals of Latino descent in gnomAD. At this time, the clinical significance of this variant is uncertain due to the absence of conclusive functional and genetic evidence.

NM_182961.4(SYNE1):c.4298C>A (p.Thr1433Lys)

Gene: SYNE1 (spectrin repeat containing nuclear envelope protein 1; minus strand). Cytogenetic location: 6q25.2.
Variant type: single nucleotide variant.
Coding change: c.4298C>A on transcript NM_182961.4 (MANE Select); coding-DNA position 4298, C replaced by A.
Protein change: p.Thr1433Lys; replaces threonine 1433 with lysine.
Molecular consequence: missense variant.
Genome position (GRCh38, 1-based): chr6:152,435,953, G>T on the plus strand (C>A on the coding strand, the complement: SYNE1 is on the minus strand). VCF-style: chr6-152435953-G-T. GRCh37 (hg19) VCF-style: chr6-152757088-G-T.
Other names: c.4319C>A (NM_033071.3); c.4319C>A, p.Thr1440Lys (NM_033071.5); short protein forms T1433K, T1440K.
Identifiers: ClinVar variation 1463541 (VCV001463541.6), dbSNP rs139798419, ClinGen allele CA4058603.
Genomic context (GRCh38, chr6:152,435,953, plus strand): 5'-TGAAACTTTATCTCAGAGAAGAAAGTTTAGGACTTGTCAATCACATACTCTTCTTCAAGC[G>T]TGTCTTCTAATTTTTTGACTTGTTCTTTGATTGACTTGGCCTGCTGTTGAAGCAGCTGCT-3'
Protein context (NP_892006.3, residues 1423-1443): IKEQVKKLED[Thr1433Lys]LEEDIKTMEM